The following is an entry in ClinVar:

NM_015922.3(NSDHL):c.40G>A (p.Ala14Thr)

Gene: NSDHL (NAD(P) dependent 3-beta-hydroxysteroid dehydrogenase NSDHL; plus strand). Cytogenetic location: Xq28.
Variant type: single nucleotide variant.
Coding change: c.40G>A on transcript NM_015922.3 (MANE Select); coding-DNA position 40, G replaced by A.
Protein change: p.Ala14Thr; replaces alanine 14 with threonine.
Molecular consequence: missense variant.
Genome position (GRCh38, 1-based): chrX:152,846,364, G>A. VCF-style: chrX-152846364-G-A. GRCh37 (hg19) VCF-style: chrX-152014908-G-A.
Other names: c.40G>A, p.Ala14Thr (NM_001129765.2); short protein forms A14T.
Identifiers: ClinVar variation 2397844 (VCV002397844.9), dbSNP rs147318065, ClinGen allele CA10544697.

ClinVar aggregate classification (germline): Conflicting classifications of pathogenicity. Review status: criteria provided, conflicting classifications (1 of 4 stars). 3 submissions from 3 submitters: Uncertain significance (1); Likely benign (2). Last evaluated 2026-02-01.

Conditions:
Inborn genetic diseases. Identifiers: MedGen C0950123, MeSH D030342.

Allele frequency attached by ClinVar (database versions not stated): ExAC 0.00003; gnomAD exomes 0.00007; ESP Exome Variant Server 0.00009.
gnomAD v4.1: 77 of 1,209,339 alleles (0.0064%); highest among the groups gnomAD compares: Non-Finnish European, 0.0079%; no homozygotes.

Submissions (3):

CeGaT Center for Human Genetics Tuebingen
Classification: Likely benign. Last evaluated: 2026-02-01. Review status: criteria provided, single submitter. Criteria: CeGaT Center For Human Genetics Tuebingen Variant Classification Criteria Version 2. Collection method: clinical testing. Allele origin: germline. Affected: yes. Observed: 1 variant allele.
Comment: NSDHL: BP4, BS2

Labcorp Genetics (formerly Invitae), Labcorp
Classification: Uncertain significance. Last evaluated: 2025-05-27. Review status: criteria provided, single submitter. Criteria: Invitae Variant Classification Sherloc (09022015). Collection method: clinical testing. Allele origin: germline.
Comment: This sequence change replaces alanine, which is neutral and non-polar, with threonine, which is neutral and polar, at codon 14 of the NSDHL protein (p.Ala14Thr). The frequency data for this variant in the population databases is considered unreliable, as metrics indicate poor data quality at this position in the gnomAD database. This variant has not been reported in the literature in individuals affected with NSDHL-related conditions. ClinVar contains an entry for this variant (Variation ID: 2397844). An algorithm developed to predict the effect of missense changes on protein structure and function outputs the following: PolyPhen-2: "Benign". The threonine amino acid residue is found in multiple mammalian species, which suggests that this missense change does not adversely affect protein function. In summary, the available evidence is currently insufficient to determine the role of this variant in disease. Therefore, it has been classified as a Variant of Uncertain Significance.

Ambry Genetics
Classification: Likely benign for Inborn genetic diseases. Last evaluated: 2022-11-08. Review status: criteria provided, single submitter. Criteria: Ambry Variant Classification Scheme 2023. Collection method: clinical testing. Allele origin: germline.